The following is an entry in ClinVar:

NM_001005361.3(DNM2):c.2451C>G (p.Ser817Arg)

Gene: DNM2 (dynamin 2; plus strand). Cytogenetic location: 19p13.2.
Variant type: single nucleotide variant.
Coding change: c.2451C>G on transcript NM_001005361.3 (MANE Select); coding-DNA position 2451, C replaced by G.
Protein change: p.Ser817Arg; replaces serine 817 with arginine.
Molecular consequence: missense variant.
Genome position (GRCh38, 1-based): chr19:10,830,286, C>G. VCF-style: chr19-10830286-C-G. GRCh37 (hg19) VCF-style: chr19-10940962-C-G.
Other names: c.2451C>G, p.Ser817Arg (NM_001005360.3, NM_001190716.2); c.2439C>G, p.Ser813Arg (NM_001005362.3, NM_004945.4); short protein forms S813R, S817R.
Identifiers: ClinVar variation 840644 (VCV000840644.9), dbSNP rs751961437, ClinGen allele CA404044085.
Genomic context (GRCh38, chr19:10,830,286, plus strand): 5'-CGTGGGGGCAGCAGCCTCCTTCTCGGCGCCCCCAATCCCATCCCGGCCTGGACCCCAGAG[C>G]GTGTTTGCCAACAGTGACCTCTTCCCAGCCCCGCCTCAGATCCCATCTCGGCCAGTTCGG-3'
Protein context (NP_001005361.1, residues 807-827): PPIPSRPGPQ[Ser817Arg]VFANSDLFPA

ClinVar aggregate classification (germline): Uncertain significance (1 of 4 stars; one submission).

Conditions:
Charcot-Marie-Tooth disease dominant intermediate B (CMTDIB). Also called: CHARCOT-MARIE-TOOTH NEUROPATHY, DOMINANT INTERMEDIATE B; Charcot-Marie-Tooth disease dominant intermediate 1; CMT DI1; Charcot-Marie-Tooth disease dominant intermediate I. Identifiers: Orphanet 100044, Orphanet 228179, MedGen C1847902, MONDO:0011674, OMIM 606482.

Submission:

Labcorp Genetics (formerly Invitae), Labcorp
Classification: Uncertain significance for Charcot-Marie-Tooth disease dominant intermediate B. Last evaluated: 2022-06-04. Review status: criteria provided, single submitter. Criteria: Invitae Variant Classification Sherloc (09022015). Collection method: clinical testing. Allele origin: germline.
Comment: Algorithms developed to predict the effect of missense changes on protein structure and function (SIFT, PolyPhen-2, Align-GVGD) all suggest that this variant is likely to be tolerated. In summary, the available evidence is currently insufficient to determine the role of this variant in disease. Therefore, it has been classified as a Variant of Uncertain Significance. This variant is not present in population databases (gnomAD no frequency). This sequence change replaces serine, which is neutral and polar, with arginine, which is basic and polar, at codon 817 of the DNM2 protein (p.Ser817Arg). This variant has not been reported in the literature in individuals affected with DNM2-related conditions. ClinVar contains an entry for this variant (Variation ID: 840644).